The following is an entry in ClinVar:

NM_000196.4(HSD11B2):c.1010G>T (p.Arg337Leu)

Gene: HSD11B2 (hydroxysteroid 11-beta dehydrogenase 2; plus strand). Cytogenetic location: 16q22.1.
Variant type: single nucleotide variant.
Coding change: c.1010G>T on transcript NM_000196.4 (MANE Select); coding-DNA position 1010, G replaced by T.
Protein change: p.Arg337Leu; replaces arginine 337 with leucine.
Molecular consequence: missense variant.
Genome position (GRCh38, 1-based): chr16:67,436,795, G>T. VCF-style: chr16-67436795-G-T. GRCh37 (hg19) VCF-style: chr16-67470698-G-T.
Other names: short protein forms R337L.
Identifiers: ClinVar variation 1028126 (VCV001028126.2), dbSNP rs28934593, ClinGen allele CA396282986.

ClinVar aggregate classification (germline): Uncertain significance. Review status: criteria provided, multiple submitters, no conflicts (2 of 4 stars). 2 submissions from 2 submitters: Uncertain significance (2). Last evaluated 2024-05-10.

Conditions:
Apparent mineralocorticoid excess (AME). Also called: CORTISOL 11-BETA-KETOREDUCTASE DEFICIENCY. Identifiers: Orphanet 320, MedGen C0342488, MONDO:0009025, OMIM 218030.

Submissions (2):

Fulgent Genetics
Classification: Uncertain significance for Apparent mineralocorticoid excess. Last evaluated: 2024-05-10. Review status: criteria provided, single submitter. Criteria: ACMG Guidelines, 2015. Collection method: clinical testing. Allele origin: germline.

Baylor Genetics
Classification: Uncertain significance for Apparent mineralocorticoid excess. Last evaluated: 2019-07-15. Review status: criteria provided, single submitter. Criteria: ACMG Guidelines, 2015. Collection method: clinical testing. Allele origin: unknown. Affected: yes.
Comment: This variant was determined to be of uncertain significance according to ACMG Guidelines, 2015 [PMID:25741868].